The following is an entry in ClinVar:

ClinVar aggregate classification (germline): Pathogenic/Likely pathogenic. Review status: criteria provided, multiple submitters, no conflicts (2 of 4 stars). 2 submissions from 2 submitters: Pathogenic (1); Likely pathogenic (1). Last evaluated 2024-01-24.

Conditions:
Encephalocraniocutaneous lipomatosis (ECCL). Identifiers: Orphanet 2396, MedGen C0406612, MONDO:0013074, OMIM 613001.
Pfeiffer syndrome (ACS5). Also called: ACS V. Identifiers: Orphanet 710, MedGen C0220658, MONDO:0007043, OMIM 101600.
Osteoglophonic dysplasia (OGD). Also called: Osteoglophonic dwarfism. Identifiers: Orphanet 2645, MedGen C0432283, MONDO:0008150, OMIM 166250.
Hartsfield-Bixler-Demyer syndrome (HRTFDS). Also called: FGFR1-Related Hartsfield Syndrome; Holoprosencephaly, ectrodactyly, and bilateral cleft lip/palate; Hartsfield syndrome. Identifiers: Orphanet 2117, MedGen C1845146, MONDO:0014196, OMIM 615465. Disease mechanism: loss of function.
Trigonocephaly 1 (TRIGNO1). Identifiers: Orphanet 3366, MedGen C0432122, MONDO:0008603, OMIM 190440.
Hypogonadotropic hypogonadism 2 with or without anosmia (HH2). Also called: HYPOGONADOTROPIC HYPOGONADISM 2 WITHOUT ANOSMIA; HYPOGONADOTROPIC HYPOGONADISM 2 WITH OR WITHOUT ANOSMIA, SUSCEPTIBILITY TO; HYPOGONADOTROPIC HYPOGONADISM 2 WITHOUT ANOSMIA, SUSCEPTIBILITY TO; FGFR1-Related GnRH Deficiency (Kallmann Syndrome 2). Identifiers: Orphanet 478, MedGen C1563720, MONDO:0007844, OMIM 147950. Disease mechanism: loss of function.
Jackson-Weiss syndrome (JWS). Also called: CRANIOSYNOSTOSIS, MIDFACIAL HYPOPLASIA, AND FOOT ABNORMALITIES. Identifiers: Orphanet 1540, MedGen C0795998, MONDO:0007400, OMIM 123150. Disease mechanism: loss of function.

Submissions (2):

Fulgent Genetics
Classification: Likely pathogenic for Pfeiffer syndrome; Jackson-Weiss syndrome; Hypogonadotropic hypogonadism 2 with or without anosmia; Osteoglophonic dysplasia; Trigonocephaly 1; Encephalocraniocutaneous lipomatosis; Hartsfield-Bixler-Demyer syndrome. Last evaluated: 2024-01-24. Review status: criteria provided, single submitter. Criteria: ACMG Guidelines, 2015. Collection method: clinical testing. Allele origin: germline.

Reproductive Endocrine Unit, Massachusetts General Hospital
Classification: Pathogenic for Hypogonadotropic hypogonadism 2 with or without anosmia. Last evaluated: 2023-05-04. Review status: criteria provided, single submitter. Criteria: ACMG Guidelines, 2015. Collection method: research. Allele origin: germline, inherited, unknown. Affected: yes. Observed: 3 variant alleles.
Comment: The variant has been classified as P2 based on the variant meeting the following ACMG Criteria: PS2, PS3,PM2,PP3, PP1, PP4.

NM_023110.3(FGFR1):c.710G>A (p.Gly237Asp)

Gene: FGFR1 (fibroblast growth factor receptor 1; minus strand). Cytogenetic location: 8p11.23.
Variant type: single nucleotide variant.
Coding change: c.710G>A on transcript NM_023110.3 (MANE Select); coding-DNA position 710, G replaced by A.
Protein change: p.Gly237Asp; replaces glycine 237 with aspartic acid.
Molecular consequence: missense variant.
Genome position (GRCh38, 1-based): chr8:38,426,157, C>T on the plus strand (G>A on the coding strand, the complement: FGFR1 is on the minus strand). VCF-style: chr8-38426157-C-T. GRCh37 (hg19) VCF-style: chr8-38283675-C-T.
Other names: c.710G>A, p.Gly237Asp (NM_000604.2, NM_001174063.2); c.686G>A, p.Gly229Asp (NM_001174064.2); c.704G>A, p.Gly235Asp (NM_001174065.2, NM_001354367.2, NM_001354369.2 and 2 more transcripts); c.443G>A, p.Gly148Asp (NM_001174066.2, NM_023105.3); c.803G>A, p.Gly268Asp (NM_001174067.2); c.437G>A, p.Gly146Asp (NM_001354368.2, NM_001354370.2, NM_023106.3); short protein forms G146D, G148D, G229D, G235D, G237D, G268D.
Identifiers: ClinVar variation 2505415 (VCV002505415.2), dbSNP rs2150859908, ClinGen allele CA370735274.